The following is an entry in ClinVar:

NM_001385641.1(SAMD11):c.667AAG[1] (p.Lys224del)

Gene: SAMD11 (sterile alpha motif domain containing 11; plus strand). Cytogenetic location: 1p36.33.
Variant type: Microsatellite.
Coding change: c.667AAG[1] on transcript NM_001385641.1 (MANE Select); one copy of the 3-base unit AAG starting at c.667; the reference has two copies in a row; one copy, 3 bases deleted.
Protein change: p.Lys224del; deletes lysine 224.
Molecular consequence: inframe deletion.
Genome position (GRCh38, 1-based): chr1:930,215-930,217, AAG deleted; deleting any 3 consecutive bases within chr1:930,211-930,217 gives the same sequence; the position shown is the placement nearest the transcript's 3' end. VCF-style (leftmost placement, unchanged base first): chr1-930210-TGAA-T. GRCh37 (hg19) VCF-style: chr1-865590-TGAA-T.
Other names: c.667AAG[1], p.Lys224del (NM_001385640.1); c.130AAG[1], p.Lys45del (NM_152486.4); short protein forms K45del, K224del.
Identifiers: ClinVar variation 2059344 (VCV002059344.4), dbSNP rs1181839556, ClinGen allele CA520604287.

ClinVar aggregate classification (germline): Uncertain significance (1 of 4 stars; one submission).

Submission:

Labcorp Genetics (formerly Invitae), Labcorp
Classification: Uncertain significance. Last evaluated: 2022-04-11. Review status: criteria provided, single submitter. Criteria: Invitae Variant Classification Sherloc (09022015). Collection method: clinical testing. Allele origin: germline.
Comment: Experimental studies and prediction algorithms are not available or were not evaluated, and the functional significance of this variant is currently unknown. This variant has not been reported in the literature in individuals affected with SAMD11-related conditions. This variant is present in population databases (no rsID available, gnomAD 0.004%). This variant, c.133_135del, results in the deletion of 1 amino acid(s) of the SAMD11 protein (p.Lys45del), but otherwise preserves the integrity of the reading frame. In summary, the available evidence is currently insufficient to determine the role of this variant in disease. Therefore, it has been classified as a Variant of Uncertain Significance.